The following is an entry in ClinVar:

ClinVar aggregate classification (germline): Uncertain significance (1 of 4 stars; one submission).

Allele frequency attached by ClinVar (database versions not stated): gnomAD exomes 0.00001; ExAC 0.00002; gnomAD 0.00002; TOPMed 0.00006.
gnomAD v4.1: 3 of 1,614,036 alleles (0.00019%); highest among the groups gnomAD compares: African/African-American, 0.004%; no homozygotes.

Submission:

Labcorp Genetics (formerly Invitae), Labcorp
Classification: Uncertain significance. Last evaluated: 2022-12-06. Review status: criteria provided, single submitter. Criteria: Invitae Variant Classification Sherloc (09022015). Collection method: clinical testing. Allele origin: germline.
Comment: This sequence change replaces asparagine, which is neutral and polar, with aspartic acid, which is acidic and polar, at codon 275 of the RUSC2 protein (p.Asn275Asp). In summary, the available evidence is currently insufficient to determine the role of this variant in disease. Therefore, it has been classified as a Variant of Uncertain Significance. Algorithms developed to predict the effect of missense changes on protein structure and function are either unavailable or do not agree on the potential impact of this missense change (SIFT: "Deleterious"; PolyPhen-2: "Benign"; Align-GVGD: "Class C15"). ClinVar contains an entry for this variant (Variation ID: 1356879). This variant has not been reported in the literature in individuals affected with RUSC2-related conditions. This variant is present in population databases (rs765838907, gnomAD 0.02%).

NM_014806.5(RUSC2):c.823A>G (p.Asn275Asp)

Gene: RUSC2 (RUN and SH3 domain containing 2; plus strand). Cytogenetic location: 9p13.3.
Variant type: single nucleotide variant.
Coding change: c.823A>G on transcript NM_014806.5 (MANE Select); coding-DNA position 823, A replaced by G.
Protein change: p.Asn275Asp; replaces asparagine 275 with aspartic acid.
Molecular consequence: missense variant. On other transcripts: non-coding transcript variant (1), intron variant (1).
Genome position (GRCh38, 1-based): chr9:35,547,344, A>G. VCF-style: chr9-35547344-A-G. GRCh37 (hg19) VCF-style: chr9-35547341-A-G.
Other names: c.823A>G, p.Asn275Asp (NM_001135999.2); c.-620-7716A>G (NM_001330740.2); short protein forms N275D.
Identifiers: ClinVar variation 1356879 (VCV001356879.8), dbSNP rs765838907, ClinGen allele CA5043537.